The following is an entry in ClinVar:

ClinVar aggregate classification (germline): Uncertain significance (1 of 4 stars; one submission).

Allele frequency attached by ClinVar (database versions not stated): gnomAD exomes below 0.00001; TOPMed 0.00001; ExAC 0.00002.
gnomAD v4.1: 4 of 1,598,142 alleles (0.00025%); highest among the groups gnomAD compares: Non-Finnish European, 0.00034%; no homozygotes.

Submission:

Labcorp Genetics (formerly Invitae), Labcorp
Classification: Uncertain significance. Last evaluated: 2022-08-23. Review status: criteria provided, single submitter. Criteria: Invitae Variant Classification Sherloc (09022015). Collection method: clinical testing. Allele origin: germline.
Comment: In summary, the available evidence is currently insufficient to determine the role of this variant in disease. Therefore, it has been classified as a Variant of Uncertain Significance. Algorithms developed to predict the effect of missense changes on protein structure and function are either unavailable or do not agree on the potential impact of this missense change (SIFT: "Deleterious"; PolyPhen-2: "Possibly Damaging"; Align-GVGD: "Class C0"). ClinVar contains an entry for this variant (Variation ID: 1416233). This variant has not been reported in the literature in individuals affected with TNFRSF11A-related conditions. This variant is present in population databases (rs776498529, gnomAD 0.001%). This sequence change replaces glutamic acid, which is acidic and polar, with alanine, which is neutral and non-polar, at codon 564 of the TNFRSF11A protein (p.Glu564Ala).

NM_003839.4(TNFRSF11A):c.1691A>C (p.Glu564Ala)

Gene: TNFRSF11A (TNF receptor superfamily member 11a; plus strand). Cytogenetic location: 18q21.33.
Variant type: single nucleotide variant.
Coding change: c.1691A>C on transcript NM_003839.4 (MANE Select); coding-DNA position 1691, A replaced by C.
Protein change: p.Glu564Ala; replaces glutamic acid 564 with alanine.
Molecular consequence: missense variant. On other transcripts: 3 prime UTR variant (1).
Genome position (GRCh38, 1-based): chr18:62,384,874, A>C. VCF-style: chr18-62384874-A-C. GRCh37 (hg19) VCF-style: chr18-60052107-A-C.
Other names: c.*115A>C (NM_001270949.2); c.854A>C, p.Glu285Ala (NM_001270950.2); c.740A>C, p.Glu247Ala (NM_001270951.2); c.1649A>C, p.Glu550Ala (NM_001278268.2); short protein forms E285A, E247A, E550A, E564A.
Identifiers: ClinVar variation 1416233 (VCV001416233.7), dbSNP rs776498529, ClinGen allele CA8984032.